The following is an entry in ClinVar:

NM_000070.3(CAPN3):c.2380A>T (p.Arg794Ter)

Gene: CAPN3 (calpain 3; plus strand). Cytogenetic location: 15q15.1.
Variant type: single nucleotide variant.
Coding change: c.2380A>T on transcript NM_000070.3 (MANE Select); coding-DNA position 2380, A replaced by T.
Protein change: p.Arg794Ter; replaces arginine 794 with a stop codon.
Molecular consequence: nonsense.
Genome position (GRCh38, 1-based): chr15:42,411,000, A>T. VCF-style: chr15-42411000-A-T. GRCh37 (hg19) VCF-style: chr15-42703198-A-T.
Other names: c.2362A>T, p.Arg788Ter (NM_024344.2); c.2104A>T, p.Arg702Ter (NM_173087.2); c.844A>T, p.Arg282Ter (NM_173088.2); c.385A>T, p.Arg129Ter (NM_173089.2, NM_173090.2); short protein forms R129*, R282*, R702*, R788*, R794*.
Identifiers: ClinVar variation 984014 (VCV000984014.3), dbSNP rs2054206966, ClinGen allele CA392002215.

ClinVar aggregate classification (germline): Likely pathogenic (1 of 4 stars; one submission).

Conditions:
Autosomal recessive limb-girdle muscular dystrophy type 2A (LGMDR1). Also called: Limb-girdle muscular dystrophy, type 2A; Calpainopathy; LEYDEN-MOEBIUS MUSCULAR DYSTROPHY; MUSCULAR DYSTROPHY, PELVOFEMORAL; Muscular dystrophy, limb-girdle, type 2A, Amish. Identifiers: Orphanet 267, MedGen C1869123, MONDO:0009675, OMIM 253600. Disease mechanism: loss of function.

Submission:

Myriad Genetics, Inc.
Classification: Likely pathogenic for Autosomal recessive limb-girdle muscular dystrophy type 2A. Last evaluated: 2019-07-01. Review status: criteria provided, single submitter. Criteria: Myriad Women's Health Autosomal Recessive and X-Linked Classification Criteria (2019). Collection method: clinical testing. Allele origin: unknown.
Comment: NM_000070.2(CAPN3):c.2380A>T(R794*) is expected to be pathogenic in the context of calpainopathy. This variant is predicted to lead to an abnormal or absent protein product due to the creation of a premature termination codon in CAPN3, a gene where loss-of-function variants are known to be pathogenic. Please note: this variant was assessed in the context of healthy population screening.